The following is an entry in ClinVar:

ClinVar aggregate classification (germline): Uncertain significance (1 of 4 stars; one submission).

Submission:

Labcorp Genetics (formerly Invitae), Labcorp
Classification: Uncertain significance. Last evaluated: 2022-11-15. Review status: criteria provided, single submitter. Criteria: Invitae Variant Classification Sherloc (09022015). Collection method: clinical testing. Allele origin: germline.
Comment: In summary, the available evidence is currently insufficient to determine the role of this variant in disease. Therefore, it has been classified as a Variant of Uncertain Significance. This variant disrupts the p.Cys387 amino acid residue in COMP. Other variant(s) that disrupt this residue have been observed in individuals with COMP-related conditions (PMID: 9921895, 21922596), which suggests that this may be a clinically significant amino acid residue. Algorithms developed to predict the effect of sequence changes on RNA splicing suggest that this variant may create or strengthen a splice site. Advanced modeling of protein sequence and biophysical properties (such as structural, functional, and spatial information, amino acid conservation, physicochemical variation, residue mobility, and thermodynamic stability) performed at Invitae indicates that this missense variant is expected to disrupt COMP protein function. ClinVar contains an entry for this variant (Variation ID: 1016567). This variant has not been reported in the literature in individuals affected with COMP-related conditions. This variant is not present in population databases (gnomAD no frequency). This sequence change replaces cysteine, which is neutral and slightly polar, with phenylalanine, which is neutral and non-polar, at codon 387 of the COMP protein (p.Cys387Phe).

Literature cited by the submitters: PubMed 9921895; PubMed 21922596.

NM_000095.3(COMP):c.1160G>T (p.Cys387Phe)

Gene: COMP (cartilage oligomeric matrix protein; minus strand). Cytogenetic location: 19p13.11.
Variant type: single nucleotide variant.
Coding change: c.1160G>T on transcript NM_000095.3 (MANE Select); coding-DNA position 1160, G replaced by T.
Protein change: p.Cys387Phe; replaces cysteine 387 with phenylalanine.
Molecular consequence: missense variant.
Genome position (GRCh38, 1-based): chr19:18,786,626, C>A on the plus strand (G>T on the coding strand, the complement: COMP is on the minus strand). VCF-style: chr19-18786626-C-A. GRCh37 (hg19) VCF-style: chr19-18897436-C-A.
Other names: short protein forms C387F.
Identifiers: ClinVar variation 1016567 (VCV001016567.8), dbSNP rs2055169279, ClinGen allele CA404887077.